The following is an entry in ClinVar:

NM_024334.3(TMEM43):c.496G>A (p.Gly166Ser)

Gene: TMEM43 (transmembrane protein 43; plus strand). Cytogenetic location: 3p25.1.
Variant type: single nucleotide variant.
Coding change: c.496G>A on transcript NM_024334.3 (MANE Select); coding-DNA position 496, G replaced by A.
Protein change: p.Gly166Ser; replaces glycine 166 with serine.
Molecular consequence: missense variant.
Genome position (GRCh38, 1-based): chr3:14,132,919, G>A. VCF-style: chr3-14132919-G-A. GRCh37 (hg19) VCF-style: chr3-14174419-G-A.
Other names: c.499G>A, p.Gly167Ser (NM_001407274.1); c.496G>A, p.Gly166Ser (NM_001407275.1, NM_001407276.1, NM_001407277.1 and 1 more transcripts); c.481G>A, p.Gly161Ser (NM_001407278.1); c.346G>A, p.Gly116Ser (NM_001407280.1); short protein forms G166S, G167S, G116S, G161S.
Identifiers: ClinVar variation 1744458 (VCV001744458.3), dbSNP rs1354385104, ClinGen allele CA351535217.

ClinVar aggregate classification (germline): Uncertain significance. Review status: criteria provided, multiple submitters, no conflicts (2 of 4 stars). 3 submissions from 3 submitters: Uncertain significance (3). Last evaluated 2025-10-28.

Conditions:
Cardiovascular phenotype. Identifiers: MedGen CN230736.
Cardiomyopathy (CMYO). Also called: Cardiomyopathies. Identifiers: Orphanet 167848, MedGen C0878544, MONDO:0004994, HP:0001638. Inheritance: Various modes of inheritance.
Arrhythmogenic right ventricular dysplasia 5. Also called: Arrhythmogenic Right Ventricular Dysplasia/Cardiomyopathy 5; ARRHYTHMOGENIC RIGHT VENTRICULAR DYSPLASIA, FAMILIAL, 5. Identifiers: MedGen C1858379, MONDO:0011459, OMIM 604400.

Allele frequency attached by ClinVar (database versions not stated): gnomAD 0.00001; TOPMed below 0.00001.
gnomAD v4.1: 2 of 1,613,838 alleles (0.00012%); highest among the groups gnomAD compares: Non-Finnish European, 0.00017%; no homozygotes.

Submissions (3):

Labcorp Genetics (formerly Invitae), Labcorp
Classification: Uncertain significance for Arrhythmogenic right ventricular dysplasia 5. Last evaluated: 2025-10-28. Review status: criteria provided, single submitter. Criteria: Invitae Variant Classification Sherloc (09022015). Collection method: clinical testing. Allele origin: germline.
Comment: This sequence change replaces glycine, which is neutral and non-polar, with serine, which is neutral and polar, at codon 166 of the TMEM43 protein (p.Gly166Ser). This variant is not present in population databases (gnomAD no frequency). This variant has not been reported in the literature in individuals affected with TMEM43-related conditions. ClinVar contains an entry for this variant (Variation ID: 1744458). Invitae Evidence Modeling of protein sequence and biophysical properties (such as structural, functional, and spatial information, amino acid conservation, physicochemical variation, residue mobility, and thermodynamic stability) indicates that this missense variant is not expected to disrupt TMEM43 protein function with a negative predictive value of 80%. In summary, the available evidence is currently insufficient to determine the role of this variant in disease. Therefore, it has been classified as a Variant of Uncertain Significance.

Color Diagnostics, LLC DBA Color Health
Classification: Uncertain significance for Cardiomyopathy. Last evaluated: 2025-09-11. Review status: criteria provided, single submitter. Criteria: ACMG Guidelines, 2015. Collection method: clinical testing. Allele origin: germline.
Comment: This missense variant replaces glycine with serine at codon 166 of the TMEM43 protein. Computational prediction suggests that this variant may not impact protein structure and function. To our knowledge, functional studies have not been reported for this variant. This variant has not been reported in individuals affected with TMEM43-related disorders in the literature. This variant has not been identified in the general population by the Genome Aggregation Database (gnomAD). The available evidence is insufficient to determine the role of this variant in disease conclusively. Therefore, this variant is classified as a Variant of Uncertain Significance.

Ambry Genetics
Classification: Uncertain significance for Cardiovascular phenotype. Last evaluated: 2021-06-23. Review status: criteria provided, single submitter. Criteria: Ambry Variant Classification Scheme 2023. Collection method: clinical testing. Allele origin: germline.
Comment: The p.G166S variant (also known as c.496G>A), located in coding exon 6 of the TMEM43 gene, results from a G to A substitution at nucleotide position 496. The glycine at codon 166 is replaced by serine, an amino acid with similar properties. This amino acid position is conserved. In addition, the in silico prediction for this alteration is inconclusive. Since supporting evidence is limited at this time, the clinical significance of this alteration remains unclear.